The following is an entry in ClinVar:

NM_194248.3(OTOF):c.4960G>A (p.Gly1654Ser)

Gene: OTOF (otoferlin; minus strand). Cytogenetic location: 2p23.3.
Variant type: single nucleotide variant.
Coding change: c.4960G>A on transcript NM_194248.3 (MANE Select); coding-DNA position 4960, G replaced by A.
Protein change: p.Gly1654Ser; replaces glycine 1654 with serine.
Molecular consequence: missense variant.
Genome position (GRCh38, 1-based): chr2:26,464,869, C>T on the plus strand (G>A on the coding strand, the complement: OTOF is on the minus strand). VCF-style: chr2-26464869-C-T. GRCh37 (hg19) VCF-style: chr2-26687737-C-T.
Other names: c.4960G>A, p.Gly1654Ser (NM_001287489.2); c.2659G>A, p.Gly887Ser (NM_004802.4, NM_194323.3); c.2890G>A, p.Gly964Ser (NM_194322.3); c.4960G>A (NM_194248.2); short protein forms G1654S, G887S, G964S.
Identifiers: ClinVar variation 1185573 (VCV001185573.2), dbSNP rs1005694756, ClinGen allele CA44411381.

ClinVar aggregate classification (germline): Likely pathogenic. Review status: criteria provided, multiple submitters, no conflicts (2 of 4 stars). 2 submissions from 2 submitters: Likely pathogenic (2). Last evaluated 2024-05-01.

Conditions:
Hearing loss, autosomal recessive. Also called: Autosomal recessive nonsyndromic deafness; Rare autosomal recessive non-syndromic sensorineural deafness type DFNB; Deafness, autosomal recessive; Nonsyndromic Hearing Loss, Recessive. Identifiers: Orphanet 90635, Orphanet 90636, MedGen C1846647, MONDO:0019588, OMIM 607197.
Bilateral sensorineural hearing impairment. Also called: Bilateral sensorineural hearing loss. Identifiers: MedGen C0452138, HP:0008619.

Allele frequency attached by ClinVar (database versions not stated): gnomAD 0.00001; gnomAD exomes 0.00001; TOPMed 0.00001.
gnomAD v4.1: 25 of 1,602,528 alleles (0.0016%); highest among the groups gnomAD compares: Non-Finnish European, 0.002%; no homozygotes.

Submissions (2):

Laboratory of Human Genetics, Universidade de São Paulo
Classification: Likely pathogenic for Hearing loss, autosomal recessive. Last evaluated: 2024-05-01. Review status: criteria provided, single submitter. Criteria: ClinGen HL ACMG Specifications v1. Collection method: research. Allele origin: maternal. Affected: yes. Observed: 2 variant alleles.
Comment: The OTOF NM_194248.2:c.4960G>A has extremely low frequency in gnomAD population databases, it is associated with a recessive disorder, detected in trans with a pathogenic variant, in compound heterozygous state in affected cases (PM3); Cosegregation with disease in multiple affected family members in a gene definitively known to cause the disease (PP1), computational prediction tools unanimously support a deleterious effect on the gene (PP3). Here it was found in trans with c.4541A>G in two affected siblings.

Laboratory of Human Genetics, Institute of Biosciences - University of Sao Paulo
Classification: Likely pathogenic for Bilateral sensorineural hearing impairment. Review status: criteria provided, single submitter. Criteria: ClinGen HL ACMG Specifications v1. Collection method: research. Allele origin: germline. Affected: yes. Observed: 1 compound heterozygote.

Literature cited by the submitters: PubMed 34652575 (cited by Laboratory of Human Genetics, Institute of Biosciences - University of Sao Paulo); PubMed 19461658 (cited by Laboratory of Human Genetics, Institute of Biosciences - University of Sao Paulo).